The following is an entry in ClinVar:

ClinVar aggregate classification (germline): Uncertain significance (1 of 4 stars; one submission).

Conditions:
Inborn genetic diseases. Identifiers: MedGen C0950123, MeSH D030342.

Submission:

Ambry Genetics
Classification: Uncertain significance for Inborn genetic diseases. Last evaluated: 2021-01-12. Review status: criteria provided, single submitter. Criteria: Ambry Variant Classification Scheme 2023. Collection method: clinical testing. Allele origin: germline.
Comment: The p.R86P variant (also known as c.257G>C), located in coding exon 1 of the NGF gene, results from a G to C substitution at nucleotide position 257. The arginine at codon 86 is replaced by proline, an amino acid with dissimilar properties. This amino acid position is highly conserved in available vertebrate species. In addition, this alteration is predicted to be deleterious by in silico analysis. Since supporting evidence is limited at this time, the clinical significance of this alteration remains unclear.

NM_002506.3(NGF):c.257G>C (p.Arg86Pro)

Genes: NGF (nerve growth factor; minus strand), NGF-AS1 (NGF antisense RNA 1; plus strand). Cytogenetic location: 1p13.2.
Variant type: single nucleotide variant.
Coding change: c.257G>C on transcript NM_002506.3 (MANE Select); coding-DNA position 257, G replaced by C.
Protein change: p.Arg86Pro; replaces arginine 86 with proline.
Molecular consequence: missense variant.
Genome position (GRCh38, 1-based): chr1:115,286,539, C>G on the plus strand (G>C on the coding strand, the complement: NGF is on the minus strand). VCF-style: chr1-115286539-C-G. GRCh37 (hg19) VCF-style: chr1-115829160-C-G.
Other names: short protein forms R86P.
Identifiers: ClinVar variation 1793360 (VCV001793360.2), dbSNP rs200629339, ClinGen allele CA341836940.